The following is an entry in ClinVar:

ClinVar aggregate classification (germline): Uncertain significance (1 of 4 stars; one submission).

Submission:

GeneDx
Classification: Uncertain significance. Last evaluated: 2024-09-03. Review status: criteria provided, single submitter. Criteria: GeneDx Variant Classification Process June 2021. Collection method: clinical testing. Allele origin: germline. Affected: yes.
Comment: Not observed at significant frequency in large population cohorts (gnomAD); In silico analysis supports that this missense variant has a deleterious effect on protein structure/function; Has not been previously published as pathogenic or benign to our knowledge

NM_006521.6(TFE3):c.364C>T (p.Arg122Trp)

Gene: TFE3 (transcription factor binding to IGHM enhancer 3; minus strand). Cytogenetic location: Xp11.23.
Variant type: single nucleotide variant.
Coding change: c.364C>T on transcript NM_006521.6 (MANE Select); coding-DNA position 364, C replaced by T.
Protein change: p.Arg122Trp; replaces arginine 122 with tryptophan.
Molecular consequence: missense variant.
Genome position (GRCh38, 1-based): chrX:49,039,277, G>A on the plus strand (C>T on the coding strand, the complement: TFE3 is on the minus strand). VCF-style: chrX-49039277-G-A. GRCh37 (hg19) VCF-style: chrX-48896802-G-A.
Other names: c.49C>T, p.Arg17Trp (NM_001282142.2); short protein forms R122W, R17W.
Identifiers: ClinVar variation 3765995 (VCV003765995.1).